The following is an entry in ClinVar:

ClinVar aggregate classification (germline): Uncertain significance. Review status: criteria provided, single submitter (1 of 4 stars). 2 submissions from 2 submitters: Uncertain significance (1). 1 of the submissions does not count toward it. Last evaluated 2025-08-08.

Conditions:
DYRK1B-related disorder. Also called: DYRK1B-related condition.

Allele frequency attached by ClinVar (database versions not stated): ExAC 0.00001; TOPMed 0.00002; gnomAD 0.00003; ESP Exome Variant Server 0.00008.
gnomAD v4.1: 4 of 1,611,388 alleles (0.00025%); highest among the groups gnomAD compares: African/African-American, 0.0053%; no homozygotes.

Submissions (2):

Labcorp Genetics (formerly Invitae), Labcorp
Classification: Uncertain significance. Last evaluated: 2025-08-08. Review status: criteria provided, single submitter. Criteria: Invitae Variant Classification Sherloc (09022015). Collection method: clinical testing. Allele origin: germline.
Comment: This sequence change falls in intron 7 of the DYRK1B gene. It does not directly change the encoded amino acid sequence of the DYRK1B protein. It affects a nucleotide within the consensus splice site. This variant is not present in population databases (gnomAD no frequency). This variant has not been reported in the literature in individuals affected with DYRK1B-related conditions. ClinVar contains an entry for this variant (Variation ID: 3054368). Variants that disrupt the consensus splice site are a relatively common cause of aberrant splicing (PMID: 17576681, 9536098). Algorithms developed to predict the effect of sequence changes on RNA splicing suggest that this variant is not likely to affect RNA splicing. In summary, the available evidence is currently insufficient to determine the role of this variant in disease. Therefore, it has been classified as a Variant of Uncertain Significance.

PreventionGenetics, part of Exact Sciences
Classification: Likely benign for DYRK1B-related condition. Last evaluated: 2022-08-26. Review status: no assertion criteria provided. Collection method: clinical testing. Allele origin: germline. Not counted in ClinVar's aggregate classification.
Comment: This variant is classified as likely benign based on ACMG/AMP sequence variant interpretation guidelines (Richards et al. 2015 PMID: 25741868, with internal and published modifications).

Literature cited by the submitters: PubMed 17576681 (cited by Labcorp Genetics (formerly Invitae), Labcorp); PubMed 9536098 (cited by Labcorp Genetics (formerly Invitae), Labcorp).

NM_004714.3(DYRK1B):c.955-3C>T

Gene: DYRK1B (dual specificity tyrosine phosphorylation regulated kinase 1B; minus strand). Cytogenetic location: 19q13.2.
Variant type: single nucleotide variant.
Coding change: c.955-3C>T on transcript NM_004714.3 (MANE Select); 3 bases into the intron before coding-DNA position 955, C replaced by T.
Molecular consequence: intron variant.
Genome position (GRCh38, 1-based): chr19:39,827,428, G>A on the plus strand (C>T on the coding strand, the complement: DYRK1B is on the minus strand). VCF-style: chr19-39827428-G-A. GRCh37 (hg19) VCF-style: chr19-40318068-G-A.
Other names: c.955-3C>T (NM_006483.3, NM_006484.3).
Identifiers: ClinVar variation 3054368 (VCV003054368.3), dbSNP rs377232175, ClinGen allele CA9434156.
Genomic context (GRCh38, chr19:39,827,428, plus strand): 5'-CCAGCATGGCGGCCGGTGGGATGCCCAGCACCTCCACAATGCGGTTCATCTGGTCGACCT[G>A]TGAGCAGGCAGGGGTCAAGGTCATCAGGCCAGCCAGGCTCCACCCCCTCCACCTCCAGCA-3'